The following is an entry in ClinVar:

NM_002900.3(RBP3):c.1042C>T (p.Pro348Ser)

Gene: RBP3 (retinol binding protein 3; plus strand). Cytogenetic location: 10q11.22.
Variant type: single nucleotide variant.
Coding change: c.1042C>T on transcript NM_002900.3 (MANE Select); coding-DNA position 1042, C replaced by T.
Protein change: p.Pro348Ser; replaces proline 348 with serine.
Molecular consequence: missense variant.
Genome position (GRCh38, 1-based): chr10:47,349,526, C>T. VCF-style: chr10-47349526-C-T. GRCh37 (hg19) VCF-style: chr10-48389836-G-A.
Other names: c.1042C>T (NM_002900.2); short protein forms P348S.
Identifiers: ClinVar variation 1063148 (VCV001063148.9), dbSNP rs199720350, ClinGen allele CA5487624.

ClinVar aggregate classification (germline): Uncertain significance. Review status: criteria provided, multiple submitters, no conflicts (2 of 4 stars). 4 submissions from 4 submitters: Uncertain significance (4). Last evaluated 2024-10-01.

Conditions:
Inborn genetic diseases. Identifiers: MedGen C0950123, MeSH D030342.
Retinitis pigmentosa (RP). Identifiers: Orphanet 791, MedGen C0035334, MeSH D012174, MONDO:0019200, OMIM 268000. Inheritance: Autosomal dominant, autosomal recessive and X linked inheritance.
Retinitis pigmentosa 66 (RP66). Identifiers: Orphanet 791, MedGen C3715216, MONDO:0014093, OMIM 615233.

Allele frequency attached by ClinVar (database versions not stated): gnomAD 0.00001 and 0.00002; gnomAD exomes 0.00001 and 0.00002; TOPMed 0.00001; ExAC 0.00003; 1000 Genomes Project 30x 0.00016; 1000 Genomes Project 0.00020.
gnomAD v4.1: 21 of 1,613,002 alleles (0.0013%); highest among the groups gnomAD compares: South Asian, 0.012%; 1 homozygote.

Submissions (4):

Ambry Genetics
Classification: Uncertain significance for Inborn genetic diseases. Last evaluated: 2024-10-01. Review status: criteria provided, single submitter. Criteria: Ambry Variant Classification Scheme 2023. Collection method: clinical testing. Allele origin: germline.

Blueprint Genetics
Classification: Uncertain significance. Last evaluated: 2024-06-03. Review status: criteria provided, single submitter. Criteria: ACMG Guidelines, 2015. Collection method: clinical testing. Allele origin: germline.

Department of Pathology and Laboratory Medicine, Sinai Health System
Classification: Uncertain significance for Retinitis pigmentosa; Retinitis pigmentosa 66. Last evaluated: 2022-11-15. Review status: criteria provided, single submitter. Criteria: ACMG Guidelines, 2015. Collection method: research. Allele origin: germline.

Labcorp Genetics (formerly Invitae), Labcorp
Classification: Uncertain significance. Last evaluated: 2022-02-08. Review status: criteria provided, single submitter. Criteria: Invitae Variant Classification Sherloc (09022015). Collection method: clinical testing. Allele origin: germline.
Comment: This sequence change replaces proline, which is neutral and non-polar, with serine, which is neutral and polar, at codon 348 of the RBP3 protein (p.Pro348Ser). This variant is present in population databases (rs199720350, gnomAD 0.01%). This variant has not been reported in the literature in individuals affected with RBP3-related conditions. ClinVar contains an entry for this variant (Variation ID: 1063148). Algorithms developed to predict the effect of missense changes on protein structure and function are either unavailable or do not agree on the potential impact of this missense change (SIFT: "Deleterious"; PolyPhen-2: "Probably Damaging"; Align-GVGD: "Class C0"). In summary, the available evidence is currently insufficient to determine the role of this variant in disease. Therefore, it has been classified as a Variant of Uncertain Significance.